The following is an entry in ClinVar:

NM_001004127.3(ALG11):c.45-2A>T

Gene: ALG11 (ALG11 alpha-1,2-mannosyltransferase; plus strand). Cytogenetic location: 13q14.3.
Variant type: single nucleotide variant.
Coding change: c.45-2A>T on transcript NM_001004127.3 (MANE Select); the canonical splice acceptor site of the intron before coding-DNA position 45, A replaced by T.
Molecular consequence: splice acceptor variant.
Genome position (GRCh38, 1-based): chr13:52,018,911, A>T. VCF-style: chr13-52018911-A-T. GRCh37 (hg19) VCF-style: chr13-52593047-A-T.
Identifiers: ClinVar variation 1700351 (VCV001700351.3), dbSNP rs376678620, ClinGen allele CA6989815.
Genomic context (GRCh38, chr13:52,018,911, plus strand): 5'-TAATTTGTAATTTTTTTAATGTATATATCACATTGATTCTCAACTTTGTCCTCTTATTTC[A>T]GGTTTTTTTATTCATTATTCTTCCCTGGGCTCATTGTATGTGGAACTTTATGTGTGTGTT-3'

ClinVar aggregate classification (germline): Likely pathogenic. Review status: criteria provided, multiple submitters, no conflicts (2 of 4 stars). 2 submissions from 2 submitters: Likely pathogenic (2). Last evaluated 2026-01-06.

Conditions:
ALG11-congenital disorder of glycosylation. Also called: ALG11-CDG; CONGENITAL DISORDER OF GLYCOSYLATION, TYPE Ip. Identifiers: Orphanet 280071, MedGen C3150913, MONDO:0013349, OMIM 613661.

Allele frequency attached by ClinVar (database versions not stated): TOPMed below 0.00001; ExAC 0.00001; gnomAD exomes 0.00001; ESP Exome Variant Server 0.00008.
gnomAD v4.1: 1 of 1,612,906 alleles (0.000062%); highest among the groups gnomAD compares: Non-Finnish European, 0.000085%; no homozygotes.

Submissions (2):

Women's Health and Genetics/Laboratory Corporation of America, LabCorp
Classification: Likely pathogenic for ALG11-congenital disorder of glycosylation. Last evaluated: 2026-01-06. Review status: criteria provided, single submitter. Criteria: LabCorp Variant Classification Summary - May 2015. Collection method: clinical testing. Allele origin: germline.
Comment: Variant summary: ALG11 c.45-2A>T is located in a canonical splice-site and is predicted to affect mRNA splicing resulting in a significantly altered protein due to either exon skipping, shortening, or inclusion of intronic material. Variants that disrupt the consensus splice site are a relatively common cause of aberrant splicing and loss of ALG11 function. Several computational tools predict a significant impact on normal splicing: Four predict the variant abolishes a 3' acceptor site. However, these predictions have yet to be confirmed by functional studies. The variant allele was found at a frequency of 8e-06 in 251290 control chromosomes. c.45-2A>T has been observed in an individual affected with ALG11-Congenital Disorder Of Glycosylation (Regal_2015). To our knowledge, no experimental evidence demonstrating an impact on protein function has been reported. The following publication have been ascertained in the context of this evaluation (PMID: 28649519). ClinVar contains an entry for this variant (Variation ID: 1700351). Based on the evidence outlined above, the variant was classified as likely pathogenic.

GeneDx
Classification: Likely pathogenic. Last evaluated: 2022-08-08. Review status: criteria provided, single submitter. Criteria: GeneDx Variant Classification Process June 2021. Collection method: clinical testing. Allele origin: germline. Affected: yes.
Comment: Canonical splice site variant expected to result in aberrant splicing, although in the absence of functional evidence the actual effect of this sequence change is unknown.; Not observed at significant frequency in large population cohorts (gnomAD); This variant is associated with the following publications: (PMID: 30676690, 28649519)

Literature cited by the submitters: PubMed 28649519 (cited by Women's Health and Genetics/Laboratory Corporation of America, LabCorp).